The following is an entry in ClinVar:

NM_000603.5(NOS3):c.1740G>A (p.Pro580=)

Genes: NOS3 (nitric oxide synthase 3; plus strand), LOC126860224 (CDK7 strongly-dependent group 2 enhancer GRCh37_chr7:150698330-150699529; plus strand). Cytogenetic location: 7q36.1.
Variant type: single nucleotide variant.
Coding change: c.1740G>A on transcript NM_000603.5 (MANE Select); coding-DNA position 1740, G replaced by A.
Protein change: p.Pro580=; no amino-acid change (proline 580 retained).
Molecular consequence: synonymous variant.
Genome position (GRCh38, 1-based): chr7:151,002,292, G>A. VCF-style: chr7-151002292-G-A. GRCh37 (hg19) VCF-style: chr7-150699380-G-A.
Other names: c.1740G>A, p.Pro580= (NM_001160109.2, NM_001160110.1, NM_001160111.1).
Identifiers: ClinVar variation 3357144 (VCV003357144.1).
Genomic context (GRCh38, chr7:151,002,292, plus strand): 5'-CCTCGAACACGAGACGCTGGTGCTGGTGGTAACCAGCACATTTGGGAATGGGGATCCCCC[G>A]GAGAATGGAGAGGTGAGAACTTCCAGGAAAGGGGCTGCTGGGAATGAGGAGAGACTCAGA-3'
Protein context (NP_000594.2, residues 570-590): VTSTFGNGDP[Pro580=]ENGESFAAAL

ClinVar aggregate classification (germline): Likely benign (0 of 4 stars; one submission).

Conditions:
NOS3-related disorder. Also called: NOS3-related condition.

gnomAD v4.1: 13 of 1,583,336 alleles (0.00082%); highest among the groups gnomAD compares: African/African-American, 0.004%; no homozygotes.

Submission:

PreventionGenetics, part of Exact Sciences
Classification: Likely benign for NOS3-related condition. Last evaluated: 2024-06-19. Review status: no assertion criteria provided. Collection method: clinical testing. Allele origin: germline.
Comment: This variant is classified as likely benign based on ACMG/AMP sequence variant interpretation guidelines (Richards et al. 2015 PMID: 25741868, with internal and published modifications).